The following is an entry in ClinVar:

NM_015338.6(ASXL1):c.4462C>T (p.Leu1488Phe)

Gene: ASXL1 (ASXL transcriptional regulator 1; plus strand). Cytogenetic location: 20q11.21.
Variant type: single nucleotide variant.
Coding change: c.4462C>T on transcript NM_015338.6 (MANE Select); coding-DNA position 4462, C replaced by T.
Protein change: p.Leu1488Phe; replaces leucine 1488 with phenylalanine.
Molecular consequence: missense variant.
Genome position (GRCh38, 1-based): chr20:32,437,174, C>T. VCF-style: chr20-32437174-C-T. GRCh37 (hg19) VCF-style: chr20-31024977-C-T.
Other names: c.4279C>T, p.Leu1427Phe (NM_001363734.1); short protein forms L1427F, L1488F.
Identifiers: ClinVar variation 3793255 (VCV003793255.1).
Genomic context (GRCh38, chr20:32,437,174, plus strand): 5'-GCTGGAAGTGTGGTGCAGCTGAGCCACAAAGCAAACTTTGGTGCGAGCCACAGTGCATCA[C>T]TTTCCTTGCAAATGTTCACTGACAGCAGCACGGTGGAAAGCATCTCGCTCCAGTGTGCGT-3'
Protein context (NP_056153.2, residues 1478-1498): ANFGASHSAS[Leu1488Phe]SLQMFTDSST

ClinVar aggregate classification (germline): Uncertain significance (1 of 4 stars; one submission).

Conditions:
Inborn genetic diseases. Identifiers: MedGen C0950123, MeSH D030342.

Submission:

Ambry Genetics
Classification: Uncertain significance for Inborn genetic diseases. Last evaluated: 2025-02-06. Review status: criteria provided, single submitter. Criteria: Ambry Variant Classification Scheme 2023. Collection method: clinical testing. Allele origin: germline.
Comment: The p.L1488F variant (also known as c.4462C>T), located in coding exon 13 of the ASXL1 gene, results from a C to T substitution at nucleotide position 4462. The leucine at codon 1488 is replaced by phenylalanine, an amino acid with highly similar properties. This amino acid position is conserved. In addition, this alteration is predicted to be tolerated by in silico analysis. Based on the available evidence, the clinical significance of this variant remains unclear.